The following is an entry in ClinVar:

ClinVar aggregate classification (germline): Uncertain significance (1 of 4 stars; one submission).

Submission:

Labcorp Genetics (formerly Invitae), Labcorp
Classification: Uncertain significance. Last evaluated: 2023-03-30. Review status: criteria provided, single submitter. Criteria: Invitae Variant Classification Sherloc (09022015). Collection method: clinical testing. Allele origin: germline.
Comment: An algorithm developed to predict the effect of missense changes on protein structure and function (PolyPhen-2) suggests that this variant is likely to be tolerated. In summary, the available evidence is currently insufficient to determine the role of this variant in disease. Therefore, it has been classified as a Variant of Uncertain Significance. This variant has not been reported in the literature in individuals affected with DPF2-related conditions. This variant is not present in population databases (gnomAD no frequency). This sequence change replaces arginine, which is basic and polar, with glycine, which is neutral and non-polar, at codon 321 of the DPF2 protein (p.Arg321Gly).

NM_006268.5(DPF2):c.961C>G (p.Arg321Gly)

Gene: DPF2 (double PHD fingers 2; plus strand). Cytogenetic location: 11q13.1.
Variant type: single nucleotide variant.
Coding change: c.961C>G on transcript NM_006268.5 (MANE Select); coding-DNA position 961, C replaced by G.
Protein change: p.Arg321Gly; replaces arginine 321 with glycine.
Molecular consequence: missense variant.
Genome position (GRCh38, 1-based): chr11:65,346,303, C>G. VCF-style: chr11-65346303-C-G. GRCh37 (hg19) VCF-style: chr11-65113774-C-G.
Other names: c.1003C>G, p.Arg335Gly (NM_001330308.2); short protein forms R321G, R335G.
Identifiers: ClinVar variation 2876946 (VCV002876946.3), dbSNP rs1467910075, ClinGen allele CA381231698.
Genomic context (GRCh38, chr11:65,346,303, plus strand): 5'-ACAGGGCATCCATCTTGCCTCCAATTTACCCCCGTGATGATGGCGGCAGTGAAGACATAC[C>G]GCTGGCAGTGCATCGAGTGCAAATGTTGCAATATCTGCGGCACCTCCGAGAATGACGTGT-3'
Protein context (NP_006259.1, residues 311-331): PVMMAAVKTY[Arg321Gly]WQCIECKCCN